The following is an entry in ClinVar:

ClinVar aggregate classification (germline): Uncertain significance (1 of 4 stars; one submission).

Allele frequency attached by ClinVar (database versions not stated): gnomAD 0.00001; TOPMed 0.00001.

Submission:

Labcorp Genetics (formerly Invitae), Labcorp
Classification: Uncertain significance. Last evaluated: 2024-10-13. Review status: criteria provided, single submitter. Criteria: Invitae Variant Classification Sherloc (09022015). Collection method: clinical testing. Allele origin: germline.
Comment: This sequence change replaces alanine, which is neutral and non-polar, with serine, which is neutral and polar, at codon 225 of the NACC1 protein (p.Ala225Ser). The frequency data for this variant in the population databases is considered unreliable, as metrics indicate poor data quality at this position in the gnomAD database. This variant has not been reported in the literature in individuals affected with NACC1-related conditions. ClinVar contains an entry for this variant (Variation ID: 1518047). An algorithm developed to predict the effect of missense changes on protein structure and function (PolyPhen-2) suggests that this variant is likely to be tolerated. In summary, the available evidence is currently insufficient to determine the role of this variant in disease. Therefore, it has been classified as a Variant of Uncertain Significance.

NM_052876.4(NACC1):c.673G>T (p.Ala225Ser)

Gene: NACC1 (nucleus accumbens associated 1; plus strand). Cytogenetic location: 19p13.13.
Variant type: single nucleotide variant.
Coding change: c.673G>T on transcript NM_052876.4 (MANE Select); coding-DNA position 673, G replaced by T.
Protein change: p.Ala225Ser; replaces alanine 225 with serine.
Molecular consequence: missense variant.
Genome position (GRCh38, 1-based): chr19:13,135,880, G>T. VCF-style: chr19-13135880-G-T. GRCh37 (hg19) VCF-style: chr19-13246694-G-T.
Other names: short protein forms A225S.
Identifiers: ClinVar variation 1518047 (VCV001518047.8), dbSNP rs576631867, ClinGen allele CA404325876.